The following is an entry in ClinVar:

ClinVar aggregate classification (germline): Conflicting classifications of pathogenicity. Review status: criteria provided, conflicting classifications (1 of 4 stars). 2 submissions from 2 submitters: Pathogenic (1); Uncertain significance (1). Last evaluated 2025-04-20.

Conditions:
Bethlem myopathy 1A. Also called: Bethlem myopathy 1; Bethlem Muscular Dystrophy; MYOPATHY, BENIGN CONGENITAL, WITH CONTRACTURES. Identifiers: Orphanet 610, MedGen CN029274, MONDO:0024530, OMIM 158810.

Submissions (2):

Labcorp Genetics (formerly Invitae), Labcorp
Classification: Pathogenic for Bethlem myopathy 1A. Last evaluated: 2025-04-20. Review status: criteria provided, single submitter. Criteria: Invitae Variant Classification Sherloc (09022015). Collection method: clinical testing. Allele origin: germline.
Comment: This variant, c.1024_1032del, results in the deletion of 3 amino acid(s) of the COL6A1 protein (p.Leu342_Gly344del), but otherwise preserves the integrity of the reading frame. This variant is not present in population databases (gnomAD no frequency). This variant has been observed in individual(s) with clinical features of COL6A1-related conditions (PMID: 29465610; internal data). In at least one individual the variant was observed to be de novo. ClinVar contains an entry for this variant (Variation ID: 93801). This variant disrupts the triple helix domain of COL6A1. Glycine residues within the Gly-Xaa-Yaa repeats of the triple helix domain are required for the structure and stability of fibrillar collagens (PMID: 7695699, 8218237, 19344236). In COL6A1, variants at these glycine residues are significantly enriched in individuals with autosomal dominant disease (PMID: 15689448, 24038877) compared to the general population (ExAC). For these reasons, this variant has been classified as Pathogenic.

Eurofins Ntd Llc (ga)
Classification: Uncertain significance. Last evaluated: 2017-11-18. Review status: criteria provided, single submitter. Criteria: EGL Classification Definitions 2015. Collection method: clinical testing. Allele origin: germline. Observed: 1 variant allele, 1 heterozygote.

Literature cited by the submitters: PubMed 29465610 (cited by Labcorp Genetics (formerly Invitae), Labcorp); PubMed 7695699 (cited by Labcorp Genetics (formerly Invitae), Labcorp); PubMed 8218237 (cited by Labcorp Genetics (formerly Invitae), Labcorp); PubMed 19344236 (cited by Labcorp Genetics (formerly Invitae), Labcorp); PubMed 15689448 (cited by Labcorp Genetics (formerly Invitae), Labcorp); PubMed 24038877 (cited by Labcorp Genetics (formerly Invitae), Labcorp).

NM_001848.3(COL6A1):c.1024_1032del (p.Leu342_Gly344del)

Gene: COL6A1 (collagen type VI alpha 1 chain; plus strand). Cytogenetic location: 21q22.3.
Variant type: Deletion.
Coding change: c.1024_1032del on transcript NM_001848.3 (MANE Select); coding-DNA positions 1024 to 1032, 9 bases deleted (CTGCCAGGC; older notation c.1024_1032delCTGCCAGGC).
Protein change: p.Leu342_Gly344del.
Molecular consequence: inframe deletion.
Genome position (GRCh38, 1-based): chr21:45,990,794-45,990,802, CTGCCAGGC deleted; deleting any 9 consecutive bases within chr21:45,990,788-45,990,802 gives the same sequence; the c. name uses the placement nearest the transcript's 3' end. VCF-style (leftmost placement, unchanged base first): chr21-45990787-CCCAGGCCTG-C. GRCh37 (hg19) VCF-style: chr21-47410701-CCCAGGCCTG-C.
Other names: c.1024_1032delCTGCCAGGC (NM_001848.2).
Identifiers: ClinVar variation 93801 (VCV000093801.8), dbSNP rs398123630, ClinGen allele CA221744.